The following is an entry in ClinVar:

NM_000135.4(FANCA):c.2203A>G (p.Ser735Gly)

Gene: FANCA (FA complementation group A; minus strand). Cytogenetic location: 16q24.3.
Variant type: single nucleotide variant.
Coding change: c.2203A>G on transcript NM_000135.4 (MANE Select); coding-DNA position 2203, A replaced by G.
Protein change: p.Ser735Gly; replaces serine 735 with glycine.
Molecular consequence: missense variant.
Genome position (GRCh38, 1-based): chr16:89,770,583, T>C on the plus strand (A>G on the coding strand, the complement: FANCA is on the minus strand). VCF-style: chr16-89770583-T-C. GRCh37 (hg19) VCF-style: chr16-89836991-T-C.
Other names: c.2203A>G (LRG_495t1); c.2203A>G, p.Ser735Gly (NM_001286167.3); short protein forms S735G.
Identifiers: ClinVar variation 321350 (VCV000321350.8), dbSNP rs886052485, ClinGen allele CA10649316.

ClinVar aggregate classification (germline): Uncertain significance. Review status: criteria provided, multiple submitters, no conflicts (2 of 4 stars). 4 submissions from 4 submitters: Uncertain significance (4). Last evaluated 2024-05-27.

Conditions:
Fanconi anemia complementation group A (FANCA). Also called: Fanconi anemia, group A; FANCA-Related Fanconi Anemia. Identifiers: Orphanet 84, MedGen C3469521, MONDO:0009215, OMIM 227650.
Fanconi anemia (FA). Also called: Fanconi's anemia. Identifiers: Orphanet 84, MedGen C0015625, MeSH D005199, MONDO:0019391.

Allele frequency attached by ClinVar (database versions not stated): gnomAD exomes below 0.00001 and 0.00001; gnomAD 0.00001.
gnomAD v4.1: 9 of 1,611,254 alleles (0.00056%); highest among the groups gnomAD compares: Middle Eastern, 0.016%; no homozygotes.

Submissions (4):

Fulgent Genetics
Classification: Uncertain significance for Fanconi anemia complementation group A. Last evaluated: 2024-05-27. Review status: criteria provided, single submitter. Criteria: ACMG Guidelines, 2015. Collection method: clinical testing. Allele origin: germline.

Labcorp Genetics (formerly Invitae), Labcorp
Classification: Uncertain significance for Fanconi anemia. Last evaluated: 2022-08-09. Review status: criteria provided, single submitter. Criteria: Invitae Variant Classification Sherloc (09022015). Collection method: clinical testing. Allele origin: germline.
Comment: This sequence change replaces serine, which is neutral and polar, with glycine, which is neutral and non-polar, at codon 735 of the FANCA protein (p.Ser735Gly). The frequency data for this variant in the population databases is considered unreliable, as metrics indicate poor data quality at this position in the gnomAD database. This variant has not been reported in the literature in individuals affected with FANCA-related conditions. ClinVar contains an entry for this variant (Variation ID: 321350). Advanced modeling of protein sequence and biophysical properties (such as structural, functional, and spatial information, amino acid conservation, physicochemical variation, residue mobility, and thermodynamic stability) performed at Invitae indicates that this missense variant is not expected to disrupt FANCA protein function. In summary, the available evidence is currently insufficient to determine the role of this variant in disease. Therefore, it has been classified as a Variant of Uncertain Significance.

Sema4
Classification: Uncertain significance for Fanconi anemia. Last evaluated: 2022-01-03. Review status: criteria provided, single submitter. Criteria: Sema4 Curation Guidelines. Collection method: curation. Allele origin: germline.
Comment: The FANCA c.2203A>G (p.S735G) variant has not been reported in the literature to our knowledge. The variant is not observed in any sub-population with a sufficient number of total alleles (>=2000), but is observed at a total AF of 1/244346=0.0004% in the large and broad cohorts of the Genome Aggregation Database (PMID: 32461654). This variant has been reported in ClinVar (Variation ID 321350). Functional studies have not been performed, and in silico predictions of the variant's effect on protein function are inconclusive. The evidence is insufficient to meet ACMG/AMP criteria for classifying the variant as benign or pathogenic. Thus, the clinical significance of this variant is currently uncertain.

Illumina Laboratory Services, Illumina
Classification: Uncertain significance for Fanconi anemia complementation group A. Last evaluated: 2018-01-13. Review status: criteria provided, single submitter. Criteria: ICSL Variant Classification Criteria 13 December 2019. Collection method: clinical testing. Allele origin: germline.